The following is an entry in ClinVar:

NM_015631.5(TCTN3):c.-296C>T

Genes: ENTPD1 (ectonucleoside triphosphate diphosphohydrolase 1; plus strand), TCTN3 (tectonic family member 3; minus strand). Cytogenetic location: 10q24.1.
Variant type: single nucleotide variant.
Coding change: c.-296C>T on transcript NM_015631.5; 296 bases upstream of the start codon, C replaced by T.
Molecular consequence: 5 prime UTR variant (on NM_001440933.1).
Genome position (GRCh38, 1-based): chr10:95,694,195, G>A on the plus strand (C>T on the coding strand, the complement: TCTN3 is on the minus strand). VCF-style: chr10-95694195-G-A. GRCh37 (hg19) VCF-style: chr10-97453952-G-A.
Other names: c.-582G>A (NM_001440933.1).
Identifiers: ClinVar variation 673866 (VCV000673866.3), dbSNP rs183198716, ClinGen allele CA211808897.

ClinVar aggregate classification (germline): Likely benign (1 of 4 stars; one submission).

Allele frequency attached by ClinVar (database versions not stated): gnomAD 0.00353 and 0.00331; 1000 Genomes Project 30x 0.00375; gnomAD exomes 0.00040; 1000 Genomes Project 0.00339; TOPMed 0.00362.
gnomAD v4.1: 612 of 419,930 alleles (0.15%); highest among the groups gnomAD compares: African/African-American, 1.2%; 2 homozygotes.

Submission:

GeneDx
Classification: Likely benign. Last evaluated: 2018-06-16. Review status: criteria provided, single submitter. Criteria: GeneDx Variant Classification (06012015). Collection method: clinical testing. Allele origin: germline. Affected: yes.
Comment: This variant is considered likely benign or benign based on one or more of the following criteria: it is a conservative change, it occurs at a poorly conserved position in the protein, it is predicted to be benign by multiple in silico algorithms, and/or has population frequency not consistent with disease.